The following is an entry in ClinVar:

NM_139125.4(MASP1):c.315G>C (p.Glu105Asp)

Gene: MASP1 (MBL associated serine protease 1; minus strand). Cytogenetic location: 3q27.3.
Variant type: single nucleotide variant.
Coding change: c.315G>C on transcript NM_139125.4 (MANE Select); coding-DNA position 315, G replaced by C.
Protein change: p.Glu105Asp; replaces glutamic acid 105 with aspartic acid.
Molecular consequence: missense variant. On other transcripts: non-coding transcript variant (1).
Genome position (GRCh38, 1-based): chr3:187,262,643, C>G on the plus strand (G>C on the coding strand, the complement: MASP1 is on the minus strand). VCF-style: chr3-187262643-C-G. GRCh37 (hg19) VCF-style: chr3-186980431-C-G.
Other names: c.315G>C, p.Glu105Asp (NM_001031849.3, NM_001879.6); c.315G>C (NM_139125.3); short protein forms E105D.
Identifiers: ClinVar variation 501888 (VCV000501888.14), dbSNP rs776909379, ClinGen allele CA2749673.

ClinVar aggregate classification (germline): Uncertain significance. Review status: criteria provided, multiple submitters, no conflicts (2 of 4 stars). 4 submissions from 4 submitters: Uncertain significance (4). Last evaluated 2025-09-05.

Conditions:
Inborn genetic diseases. Identifiers: MedGen C0950123, MeSH D030342.
3MC syndrome 1. Also called: CRANIOSYNOSTOSIS WITH LID ANOMALIES; MICHELS SYNDROME; OCULOPALATOSKELETAL SYNDROME. Identifiers: Orphanet 293843, MedGen C0796059, MONDO:0009770, OMIM 257920.

Allele frequency attached by ClinVar (database versions not stated): gnomAD 0.00006; TOPMed 0.00011.
gnomAD v4.1: 223 of 1,614,138 alleles (0.014%); highest among the groups gnomAD compares: Middle Eastern, 0.033%; 1 homozygote.

Submissions (4):

Ambry Genetics
Classification: Uncertain significance for Inborn genetic diseases. Last evaluated: 2025-09-05. Review status: criteria provided, single submitter. Criteria: Ambry Variant Classification Scheme 2023. Collection method: clinical testing. Allele origin: germline.

Labcorp Genetics (formerly Invitae), Labcorp
Classification: Uncertain significance for 3MC syndrome 1. Last evaluated: 2021-12-27. Review status: criteria provided, single submitter. Criteria: Invitae Variant Classification Sherloc (09022015). Collection method: clinical testing. Allele origin: germline.
Comment: This variant is present in population databases (rs776909379, gnomAD 0.02%). This sequence change replaces glutamic acid, which is acidic and polar, with aspartic acid, which is acidic and polar, at codon 105 of the MASP1 protein (p.Glu105Asp). In summary, the available evidence is currently insufficient to determine the role of this variant in disease. Therefore, it has been classified as a Variant of Uncertain Significance. Algorithms developed to predict the effect of missense changes on protein structure and function (SIFT, PolyPhen-2, Align-GVGD) all suggest that this variant is likely to be tolerated. ClinVar contains an entry for this variant (Variation ID: 501888). This variant has not been reported in the literature in individuals affected with MASP1-related conditions.

Eurofins Ntd Llc (ga)
Classification: Uncertain significance. Last evaluated: 2017-05-03. Review status: criteria provided, single submitter. Criteria: EGL Classification Definitions 2015. Collection method: clinical testing. Allele origin: germline. Observed: 1 variant allele, 1 heterozygote.

Breakthrough Genomics
Classification: Uncertain significance. Review status: criteria provided, single submitter. Criteria: ACMG Guidelines, 2015. Collection method: not provided. Allele origin: germline. Inheritance: Autosomal recessive inheritance. Affected: yes.